The following is an entry in ClinVar:

ClinVar aggregate classification (germline): Uncertain significance (1 of 4 stars; one submission).

gnomAD v4.1: 1 of 1,608,020 alleles (0.000062%); highest among the groups gnomAD compares: Admixed American, 0.0017%; no homozygotes.

Submission:

Ambry Genetics
Classification: Uncertain significance. Last evaluated: 2021-10-27. Review status: criteria provided, single submitter. Criteria: Ambry Variant Classification Scheme 2023. Collection method: clinical testing. Allele origin: germline.
Comment: The p.P326T variant (also known as c.976C>A), located in coding exon 7 of the BUB3 gene, results from a C to A substitution at nucleotide position 976. The proline at codon 326 is replaced by threonine, an amino acid with highly similar properties. This amino acid position is conserved. In addition, this alteration is predicted to be tolerated by in silico analysis. Since supporting evidence is limited at this time, the clinical significance of this alteration remains unclear.

NM_004725.4(BUB3):c.976C>A (p.Pro326Thr)

Gene: BUB3 (BUB3 mitotic checkpoint protein; plus strand). Cytogenetic location: 10q26.13.
Variant type: single nucleotide variant.
Coding change: c.976C>A on transcript NM_004725.4 (MANE Select); coding-DNA position 976, C replaced by A.
Protein change: p.Pro326Thr; replaces proline 326 with threonine.
Molecular consequence: missense variant. On other transcripts: intron variant (1).
Genome position (GRCh38, 1-based): chr10:123,163,824, C>A. VCF-style: chr10-123163824-C-A. GRCh37 (hg19) VCF-style: chr10-124923340-C-A.
Other names: c.971+996C>A (NM_001007793.3); short protein forms P326T.
Identifiers: ClinVar variation 1768130 (VCV001768130.2), dbSNP rs1420655299, ClinGen allele CA378627346.